The following is an entry in ClinVar:

NM_001113491.2(SEPTIN9):c.1135A>G (p.Ile379Val)

Gene: SEPTIN9 (septin 9; plus strand). Cytogenetic location: 17q25.3.
Variant type: single nucleotide variant.
Coding change: c.1135A>G on transcript NM_001113491.2 (MANE Select); coding-DNA position 1135, A replaced by G.
Protein change: p.Ile379Val; replaces isoleucine 379 with valine.
Molecular consequence: missense variant.
Genome position (GRCh38, 1-based): chr17:77,488,737, A>G. VCF-style: chr17-77488737-A-G. GRCh37 (hg19) VCF-style: chr17-75484819-A-G.
Other names: c.1081A>G, p.Ile361Val (NM_006640.5); c.643A>G, p.Ile215Val (NM_001113492.2, NM_001113494.1); c.1114A>G, p.Ile372Val (NM_001113493.2); c.382A>G, p.Ile128Val (NM_001113495.2, NM_001113496.2, NM_001293697.2 and 1 more transcripts); c.1078A>G, p.Ile360Val (NM_001293695.2); c.463A>G, p.Ile155Val (NM_001293696.2); short protein forms I155V, I361V, I379V, I128V, I215V, I360V, I372V.
Identifiers: ClinVar variation 3695416 (VCV003695416.2).

ClinVar aggregate classification (germline): Uncertain significance (1 of 4 stars; one submission).

gnomAD v4.1: 2 of 1,613,812 alleles (0.00012%); highest among the groups gnomAD compares: Non-Finnish European, 0.00017%; no homozygotes.

Submission:

Labcorp Genetics (formerly Invitae), Labcorp
Classification: Uncertain significance. Last evaluated: 2024-11-27. Review status: criteria provided, single submitter. Criteria: Invitae Variant Classification Sherloc (09022015). Collection method: clinical testing. Allele origin: germline.
Comment: This sequence change replaces isoleucine, which is neutral and non-polar, with valine, which is neutral and non-polar, at codon 361 of the SEPT9 protein (p.Ile361Val). This variant is not present in population databases (gnomAD no frequency). This variant has not been reported in the literature in individuals affected with SEPT9-related conditions. Invitae Evidence Modeling of protein sequence and biophysical properties (such as structural, functional, and spatial information, amino acid conservation, physicochemical variation, residue mobility, and thermodynamic stability) indicates that this missense variant is not expected to disrupt SEPT9 protein function with a negative predictive value of 80%. In summary, the available evidence is currently insufficient to determine the role of this variant in disease. Therefore, it has been classified as a Variant of Uncertain Significance.